The following is an entry in ClinVar:

ClinVar aggregate classification (germline): Uncertain significance (1 of 4 stars; one submission).

Conditions:
Inborn genetic diseases. Identifiers: MedGen C0950123, MeSH D030342.

Submission:

Ambry Genetics
Classification: Uncertain significance for Inborn genetic diseases. Last evaluated: 2022-02-03. Review status: criteria provided, single submitter. Criteria: Ambry Variant Classification Scheme 2023. Collection method: clinical testing. Allele origin: germline.
Comment: The p.P11A variant (also known as c.31C>G), located in coding exon 1 of the DNMT1 gene, results from a C to G substitution at nucleotide position 31. The proline at codon 11 is replaced by alanine, an amino acid with highly similar properties. This amino acid position is highly conserved in available vertebrate species. In addition, this alteration is predicted to be tolerated by in silico analysis. Since supporting evidence is limited at this time, the clinical significance of this alteration remains unclear.

NM_001130823.3(DNMT1):c.31C>G (p.Pro11Ala)

Genes: DNMT1 (DNA methyltransferase 1; minus strand), LOC130063472 (ATAC-STARR-seq lymphoblastoid silent region 10057; plus strand). Cytogenetic location: 19p13.2.
Variant type: single nucleotide variant.
Coding change: c.31C>G on transcript NM_001130823.3 (MANE Select); coding-DNA position 31, C replaced by G.
Protein change: p.Pro11Ala; replaces proline 11 with alanine.
Molecular consequence: missense variant. On other transcripts: 5 prime UTR variant (1).
Genome position (GRCh38, 1-based): chr19:10,194,869, G>C on the plus strand (C>G on the coding strand, the complement: DNMT1 is on the minus strand). VCF-style: chr19-10194869-G-C. GRCh37 (hg19) VCF-style: chr19-10305545-G-C.
Other names: c.31C>G, p.Pro11Ala (NM_001318730.2, NM_001379.4); c.-293C>G (NM_001318731.2); short protein forms P11A.
Identifiers: ClinVar variation 1728783 (VCV001728783.2), dbSNP rs1216341078, ClinGen allele CA403950234.